The following is an entry in ClinVar:

NM_022455.5(NSD1):c.6463G>A (p.Gly2155Arg)

Gene: NSD1 (nuclear receptor binding SET domain protein 1; plus strand). Cytogenetic location: 5q35.3.
Variant type: single nucleotide variant.
Coding change: c.6463G>A on transcript NM_022455.5 (MANE Select); coding-DNA position 6463, G replaced by A.
Protein change: p.Gly2155Arg; replaces glycine 2155 with arginine.
Molecular consequence: missense variant.
Genome position (GRCh38, 1-based): chr5:177,292,158, G>A. VCF-style: chr5-177292158-G-A. GRCh37 (hg19) VCF-style: chr5-176719159-G-A.
Other names: c.5590G>A, p.Gly1864Arg (NM_001365684.2, NM_001409308.1, NM_172349.5); c.6463G>A, p.Gly2155Arg (NM_001409301.1, NM_001409302.1, NM_001409303.1); c.6043G>A, p.Gly2015Arg (NM_001409304.1); c.5710G>A, p.Gly1904Arg (NM_001409305.1); c.5701G>A, p.Gly1901Arg (NM_001409306.1, NM_001409307.1); c.5341G>A, p.Gly1781Arg (NM_001409309.1); short protein forms G2155R, G1886R, G1781R, G1864R, G2015R, G1901R, G1904R.
Identifiers: ClinVar variation 451457 (VCV000451457.14), dbSNP rs1554206845, ClinGen allele CA362321156.

ClinVar aggregate classification (germline): Conflicting classifications of pathogenicity. Review status: criteria provided, conflicting classifications (1 of 4 stars). 3 submissions from 3 submitters: Likely pathogenic (1); Uncertain significance (2). Last evaluated 2021-07-15.

Conditions:
Sotos syndrome (SOTOS). Also called: CEREBRAL GIGANTISM; Sotos' syndrome; Distinctive facial appearance, overgrowth in childhood, and learning disabilities or delayed development; CHROMOSOME 5q35 DELETION SYNDROME; SOTOS SYNDROME 1. Identifiers: Orphanet 821, MedGen C0175695, MONDO:0019349, OMIM 117550.

Submissions (3):

Genome-Nilou Lab
Classification: Uncertain significance for Sotos syndrome. Last evaluated: 2021-07-15. Review status: criteria provided, single submitter. Criteria: ACMG Guidelines, 2015. Collection method: clinical testing. Allele origin: germline. Affected: no.

Labcorp Genetics (formerly Invitae), Labcorp
Classification: Uncertain significance. Last evaluated: 2019-11-11. Review status: criteria provided, single submitter. Criteria: Invitae Variant Classification Sherloc (09022015). Collection method: clinical testing. Allele origin: germline.
Comment: In summary, the available evidence is currently insufficient to determine the role of this variant in disease. Therefore, it has been classified as a Variant of Uncertain Significance. Nucleotide substitutions within the consensus splice site are a relatively common cause of aberrant splicing (PMID: 17576681, 9536098). Algorithms developed to predict the effect of sequence changes on RNA splicing suggest that this variant may disrupt the consensus splice site, but this prediction has not been confirmed by published transcriptional studies. Algorithms developed to predict the effect of missense changes on protein structure and function are either unavailable or do not agree on the potential impact of this missense change (SIFT: "Deleterious"; PolyPhen-2: "Probably Damaging"; Align-GVGD: "Class C0"). This variant has not been reported in the literature in individuals with NSD1-related conditions. ClinVar contains an entry for this variant (Variation ID: 451457). This variant is not present in population databases (ExAC no frequency). This sequence change replaces glycine with arginine at codon 2155 of the NSD1 protein (p.Gly2155Arg). The glycine residue is highly conserved and there is a moderate physicochemical difference between glycine and arginine. This variant also falls at the last nucleotide of exon 22 of the NSD1 coding sequence, which is part of the consensus splice site for this exon.

GeneDx
Classification: Likely pathogenic. Last evaluated: 2017-08-25. Review status: criteria provided, single submitter. Criteria: GeneDx Variant Classification (06012015). Collection method: clinical testing. Allele origin: germline. Affected: yes.
Comment: he G2155R variant in the NSD1 gene has not been reported previously as a pathogenic variant, nor as a benign variant, to our knowledge. This variant is not observed in large population cohorts (Lek et al., 2016; 1000 Genomes Consortium et al., 2015; Exome Variant Server). The G2155R variant is a non-conservative amino acid substitution, which is likely to impact secondary protein structure as these residues differ in polarity, charge, size and/or other properties. This substitution occurs at a position that is conserved across species, and is located within the PHD-type 4 atypical zinc finger domain (Uniprot). In silico analysis predicts this variant is probably damaging to the protein structure/function. Based on currently available evidence, we interpret G2155R as a likely pathogenic variant.

Literature cited by the submitters: PubMed 17576681 (cited by Labcorp Genetics (formerly Invitae), Labcorp); PubMed 9536098 (cited by Labcorp Genetics (formerly Invitae), Labcorp).